The following is an entry in ClinVar:

ClinVar aggregate classification (germline): Uncertain significance. Review status: criteria provided, multiple submitters, no conflicts (2 of 4 stars). 2 submissions from 2 submitters: Uncertain significance (2). Last evaluated 2022-12-16.

Conditions:
Emery-Dreifuss muscular dystrophy 5, autosomal dominant (EDMD5). Also called: EMERY-DREIFUSS MUSCULAR DYSTROPHY 5. Identifiers: Orphanet 261, MedGen C2751805, MONDO:0013072, OMIM 612999.

Allele frequency attached by ClinVar (database versions not stated): gnomAD exomes 0.00001.
gnomAD v4.1: 3 of 1,614,222 alleles (0.00019%); highest among the groups gnomAD compares: Non-Finnish European, 0.00025%; no homozygotes.

Submissions (2):

Labcorp Genetics (formerly Invitae), Labcorp
Classification: Uncertain significance for Emery-Dreifuss muscular dystrophy 5, autosomal dominant. Last evaluated: 2022-12-16. Review status: criteria provided, single submitter. Criteria: Invitae Variant Classification Sherloc (09022015). Collection method: clinical testing. Allele origin: germline.
Comment: This sequence change replaces glutamic acid, which is acidic and polar, with valine, which is neutral and non-polar, at codon 6166 of the SYNE2 protein (p.Glu6166Val). This variant is not present in population databases (gnomAD no frequency). This variant has not been reported in the literature in individuals affected with SYNE2-related conditions. Algorithms developed to predict the effect of missense changes on protein structure and function are either unavailable or do not agree on the potential impact of this missense change (SIFT: "Deleterious"; PolyPhen-2: "Benign"; Align-GVGD: "Class C0"). In summary, the available evidence is currently insufficient to determine the role of this variant in disease. Therefore, it has been classified as a Variant of Uncertain Significance.

Revvity Omics, Revvity
Classification: Uncertain significance for Emery-Dreifuss muscular dystrophy 5, autosomal dominant. Last evaluated: 2019-08-19. Review status: criteria provided, single submitter. Criteria: ACMG Guidelines, 2015. Collection method: clinical testing. Allele origin: germline.

NM_182914.3(SYNE2):c.18497A>T (p.Glu6166Val)

Gene: SYNE2 (spectrin repeat containing nuclear envelope protein 2; plus strand). Cytogenetic location: 14q23.2.
Variant type: single nucleotide variant.
Coding change: c.18497A>T on transcript NM_182914.3 (MANE Select); coding-DNA position 18497, A replaced by T.
Protein change: p.Glu6166Val; replaces glutamic acid 6166 with valine.
Molecular consequence: missense variant.
Genome position (GRCh38, 1-based): chr14:64,209,535, A>T. VCF-style: chr14-64209535-A-T. GRCh37 (hg19) VCF-style: chr14-64676253-A-T.
Other names: c.18497A>T, p.Glu6166Val (NM_015180.6); short protein forms E6166V.
Identifiers: ClinVar variation 2436825 (VCV002436825.6), dbSNP rs2550091636, ClinGen allele CA389950019.